The following is an entry in ClinVar:

NM_000051.4(ATM):c.6009T>G (p.Asp2003Glu)

Genes: ATM (ATM serine/threonine kinase; plus strand), C11orf65 (chromosome 11 open reading frame 65; minus strand). Cytogenetic location: 11q22.3.
Variant type: single nucleotide variant.
Coding change: c.6009T>G on transcript NM_000051.4 (MANE Select); coding-DNA position 6009, T replaced by G.
Protein change: p.Asp2003Glu; replaces aspartic acid 2003 with glutamic acid.
Molecular consequence: missense variant. On other transcripts: intron variant (2).
Genome position (GRCh38, 1-based): chr11:108,315,825, T>G. VCF-style: chr11-108315825-T-G. GRCh37 (hg19) VCF-style: chr11-108186552-T-G.
Other names: c.6009T>G, p.Asp2003Glu (NM_001351834.2); c.641-6754A>C (NM_001330368.2); c.*39-6754A>C (NM_001351110.2); short protein forms D2003E.
Identifiers: ClinVar variation 453609 (VCV000453609.11), dbSNP rs878853526, ClinGen allele CA382549780.

ClinVar aggregate classification (germline): Uncertain significance. Review status: criteria provided, multiple submitters, no conflicts (2 of 4 stars). 2 submissions from 2 submitters: Uncertain significance (2). Last evaluated 2023-10-24.

Conditions:
Hereditary cancer-predisposing syndrome. Also called: Neoplastic Syndromes, Hereditary; Hereditary Cancer Syndrome; Tumor predisposition; Hereditary neoplastic syndrome. Identifiers: Orphanet 140162, MedGen C0027672, MeSH D009386, MONDO:0015356.
Ataxia-telangiectasia syndrome (AT). Also called: LOUIS-BAR SYNDROME; Cerebello-oculocutaneous telangiectasia; Immunodeficiency with ataxia telangiectasia; Ataxia-telangiectasia, complementation group D; AT, COMPLEMENTATION GROUP C; Ataxia-telangiectasia, complementation group E. Identifiers: Orphanet 100, MedGen C0004135, MONDO:0008840, OMIM 208900.

Submissions (2):

Labcorp Genetics (formerly Invitae), Labcorp
Classification: Uncertain significance for Ataxia-telangiectasia syndrome. Last evaluated: 2023-10-24. Review status: criteria provided, single submitter. Criteria: Invitae Variant Classification Sherloc (09022015). Collection method: clinical testing. Allele origin: germline.
Comment: This sequence change replaces aspartic acid, which is acidic and polar, with glutamic acid, which is acidic and polar, at codon 2003 of the ATM protein (p.Asp2003Glu). This variant is not present in population databases (gnomAD no frequency). This variant has not been reported in the literature in individuals affected with ATM-related conditions. ClinVar contains an entry for this variant (Variation ID: 453609). An algorithm developed to predict the effect of missense changes on protein structure and function (PolyPhen-2) suggests that this variant is likely to be tolerated. In summary, the available evidence is currently insufficient to determine the role of this variant in disease. Therefore, it has been classified as a Variant of Uncertain Significance.

Color Diagnostics, LLC DBA Color Health
Classification: Uncertain significance for Hereditary cancer-predisposing syndrome. Last evaluated: 2023-05-17. Review status: criteria provided, single submitter. Criteria: ACMG Guidelines, 2015. Collection method: clinical testing. Allele origin: germline.
Comment: This missense variant replaces aspartic acid with glutamic acid at codon 2003 of the ATM protein. Computational prediction suggests that this variant may not impact protein structure and function (internally defined REVEL score threshold <= 0.5, PMID: 27666373). To our knowledge, functional studies have not been reported for this variant. This variant has not been reported in individuals affected with ATM-related disorders in the literature. This variant has not been identified in the general population by the Genome Aggregation Database (gnomAD). The available evidence is insufficient to determine the role of this variant in disease conclusively. Therefore, this variant is classified as a Variant of Uncertain Significance.